The following is an entry in ClinVar:

ClinVar aggregate classification (germline): Likely benign (0 of 4 stars; one submission).

Conditions:
ARFGEF3-related disorder. Also called: ARFGEF3-related condition.

Allele frequency attached by ClinVar (database versions not stated): 1000 Genomes Project 0.00060; 1000 Genomes Project 30x 0.00062; ExAC 0.00078; ESP Exome Variant Server 0.00108.

Submission:

PreventionGenetics, part of Exact Sciences
Classification: Likely benign for ARFGEF3-related condition. Last evaluated: 2022-06-15. Review status: no assertion criteria provided. Collection method: clinical testing. Allele origin: germline.
Comment: This variant is classified as likely benign based on ACMG/AMP sequence variant interpretation guidelines (Richards et al. 2015 PMID: 25741868, with internal and published modifications).

NM_020340.5(ARFGEF3):c.3942G>A (p.Met1314Ile)

Gene: ARFGEF3 (ARFGEF family member 3; plus strand). Cytogenetic location: 6q24.1.
Variant type: single nucleotide variant.
Coding change: c.3942G>A on transcript NM_020340.5 (MANE Select); coding-DNA position 3942, G replaced by A.
Protein change: p.Met1314Ile; replaces methionine 1314 with isoleucine.
Molecular consequence: missense variant.
Genome position (GRCh38, 1-based): chr6:138,307,366, G>A. VCF-style: chr6-138307366-G-A. GRCh37 (hg19) VCF-style: chr6-138628503-G-A.
Other names: short protein forms M1314I.
Identifiers: ClinVar variation 3050958 (VCV003050958.2), dbSNP rs140836920, ClinGen allele CA4021210.
Genomic context (GRCh38, chr6:138,307,366, plus strand): 5'-GGGATGGAGACCCTTGTTCAGTGCCCTGGAAACAGTGCATGGCGGGAACAAGTCAGAGAT[G>A]AAGGAGTACCTGGTTGGTGACTACTCCATGGGTAAGAATGTTTGGATGATTCTTGCTATT-3'
Protein context (NP_065073.3, residues 1304-1324): ETVHGGNKSE[Met1314Ile]KEYLVGDYSM